The following is an entry in ClinVar:

ClinVar aggregate classification (germline): Uncertain significance (1 of 4 stars; one submission).

Submission:

GeneDx
Classification: Uncertain significance. Last evaluated: 2026-04-04. Review status: criteria provided, single submitter. Criteria: GeneDx Variant Classification Process June 2021. Collection method: clinical testing. Allele origin: germline.
Comment: Not observed at significant frequency in large population cohorts (gnomAD); In silico analysis supports that this missense variant has a deleterious effect on protein structure/function; Has not been previously published as pathogenic or benign to our knowledge

NM_001083116.3(PRF1):c.1307A>T (p.Asp436Val)

Gene: PRF1 (perforin 1; minus strand). Cytogenetic location: 10q22.1.
Variant type: single nucleotide variant.
Coding change: c.1307A>T on transcript NM_001083116.3 (MANE Select); coding-DNA position 1307, A replaced by T.
Protein change: p.Asp436Val; replaces aspartic acid 436 with valine.
Molecular consequence: missense variant.
Genome position (GRCh38, 1-based): chr10:70,598,414, T>A on the plus strand (A>T on the coding strand, the complement: PRF1 is on the minus strand). VCF-style: chr10-70598414-T-A. GRCh37 (hg19) VCF-style: chr10-72358170-T-A.
Other names: c.1307A>T, p.Asp436Val (NM_005041.6); short protein forms D436V.
Identifiers: ClinVar variation 5018232 (VCV005018232.1).